The following is an entry in ClinVar:

NM_003738.5(PTCH2):c.665T>G (p.Leu222Arg)

Gene: PTCH2 (patched 2; minus strand). Cytogenetic location: 1p34.1.
Variant type: single nucleotide variant.
Coding change: c.665T>G on transcript NM_003738.5 (MANE Select); coding-DNA position 665, T replaced by G.
Protein change: p.Leu222Arg; replaces leucine 222 with arginine.
Molecular consequence: missense variant.
Genome position (GRCh38, 1-based): chr1:44,830,996, A>C on the plus strand (T>G on the coding strand, the complement: PTCH2 is on the minus strand). VCF-style: chr1-44830996-A-C. GRCh37 (hg19) VCF-style: chr1-45296668-A-C.
Other names: c.665T>G, p.Leu222Arg (NM_001166292.2); short protein forms L222R.
Identifiers: ClinVar variation 957150 (VCV000957150.10), dbSNP rs754175246, ClinGen allele CA823554.

ClinVar aggregate classification (germline): Uncertain significance (1 of 4 stars; one submission).

Conditions:
Gorlin syndrome. Also called: Basal cell nevus syndrome; Nevoid Basal Cell Carcinoma Syndrome. Identifiers: Orphanet 377, MedGen C0004779, MONDO:0007187.

Allele frequency attached by ClinVar (database versions not stated): gnomAD exomes below 0.00001; ExAC 0.00001.

Submission:

Labcorp Genetics (formerly Invitae), Labcorp
Classification: Uncertain significance for Gorlin syndrome. Last evaluated: 2019-10-21. Review status: criteria provided, single submitter. Criteria: Invitae Variant Classification Sherloc (09022015). Collection method: clinical testing. Allele origin: germline.
Comment: In summary, the available evidence is currently insufficient to determine the role of this variant in disease. Therefore, it has been classified as a Variant of Uncertain Significance. Algorithms developed to predict the effect of missense changes on protein structure and function are either unavailable or do not agree on the potential impact of this missense change (SIFT: "Deleterious"; PolyPhen-2: "Probably Damaging"; Align-GVGD: "Class C0"). This variant has not been reported in the literature in individuals with PTCH2-related conditions. The frequency data for this variant in the population databases is considered unreliable, as metrics indicate poor data quality at this position in the ExAC database. This sequence change replaces leucine with arginine at codon 222 of the PTCH2 protein (p.Leu222Arg). The leucine residue is moderately conserved and there is a moderate physicochemical difference between leucine and arginine.